The following is an entry in ClinVar:

ClinVar aggregate classification (germline): Uncertain significance. Review status: criteria provided, multiple submitters, no conflicts (2 of 4 stars). 2 submissions from 2 submitters: Uncertain significance (2). Last evaluated 2025-08-18.

Conditions:
Inborn genetic diseases. Identifiers: MedGen C0950123, MeSH D030342.

Allele frequency attached by ClinVar (database versions not stated): TOPMed 0.00005.
gnomAD v4.1: 45 of 1,162,740 alleles (0.0039%); highest among the groups gnomAD compares: Middle Eastern, 0.11%; no homozygotes.

Submissions (2):

Labcorp Genetics (formerly Invitae), Labcorp
Classification: Uncertain significance. Last evaluated: 2025-08-18. Review status: criteria provided, single submitter. Criteria: Invitae Variant Classification Sherloc (09022015). Collection method: clinical testing. Allele origin: germline.
Comment: This sequence change replaces arginine, which is basic and polar, with glutamine, which is neutral and polar, at codon 2074 of the APC2 protein (p.Arg2074Gln). The frequency data for this variant in the population databases is considered unreliable, as metrics indicate poor data quality at this position in the gnomAD database. This variant has not been reported in the literature in individuals affected with APC2-related conditions. ClinVar contains an entry for this variant (Variation ID: 3127758). Invitae Evidence Modeling of protein sequence and biophysical properties (such as structural, functional, and spatial information, amino acid conservation, physicochemical variation, residue mobility, and thermodynamic stability) indicates that this missense variant is not expected to disrupt APC2 protein function with a negative predictive value of 80%. In summary, the available evidence is currently insufficient to determine the role of this variant in disease. Therefore, it has been classified as a Variant of Uncertain Significance.

Ambry Genetics
Classification: Uncertain significance for Inborn genetic diseases. Last evaluated: 2023-12-09. Review status: criteria provided, single submitter. Criteria: Ambry Variant Classification Scheme 2023. Collection method: clinical testing. Allele origin: germline.

NM_005883.3(APC2):c.6221G>A (p.Arg2074Gln)

Genes: APC2 (APC regulator of Wnt signaling pathway 2; plus strand), LOC130062957 (ATAC-STARR-seq lymphoblastoid silent region 9719; plus strand). Cytogenetic location: 19p13.3.
Variant type: single nucleotide variant.
Coding change: c.6221G>A on transcript NM_005883.3 (MANE Select); coding-DNA position 6221, G replaced by A.
Protein change: p.Arg2074Gln; replaces arginine 2074 with glutamine.
Molecular consequence: missense variant.
Genome position (GRCh38, 1-based): chr19:1,469,522, G>A. VCF-style: chr19-1469522-G-A. GRCh37 (hg19) VCF-style: chr19-1469521-G-A.
Other names: c.6218G>A, p.Arg2073Gln (NM_001351273.1); short protein forms R2074Q, R2073Q.
Identifiers: ClinVar variation 3127758 (VCV003127758.3), dbSNP rs895459171, ClinGen allele CA304082192.